The following is an entry in ClinVar:

NM_001281740.3(FHOD3):c.1074C>A (p.Asp358Glu)

Gene: FHOD3 (formin homology 2 domain containing 3; plus strand). Cytogenetic location: 18q12.2.
Variant type: single nucleotide variant.
Coding change: c.1074C>A on transcript NM_001281740.3 (MANE Select); coding-DNA position 1074, C replaced by A.
Protein change: p.Asp358Glu; replaces aspartic acid 358 with glutamic acid.
Molecular consequence: missense variant.
Genome position (GRCh38, 1-based): chr18:36,625,627, C>A. VCF-style: chr18-36625627-C-A. GRCh37 (hg19) VCF-style: chr18-34205590-C-A.
Other names: c.1074C>A, p.Asp358Glu (NM_001281739.3, NM_025135.5); short protein forms D358E.
Identifiers: ClinVar variation 3775310 (VCV003775310.1).
Genomic context (GRCh38, chr18:36,625,627, plus strand): 5'-CCGGGACCGGAGGAGGGCCAGCGTGTGTTCCAGTGGCGGAGGCGAGCACCGGGGCCTGGA[C>A]CGCAGAAGGAGCCGCAGGCACTCGGTGCAGAGCATCAAGAGCACCCTGTCGGCCCCCACC-3'
Protein context (NP_001268669.1, residues 348-368): SSGGGEHRGL[Asp358Glu]RRRSRRHSVQ

ClinVar aggregate classification (germline): Uncertain significance (1 of 4 stars; one submission).

Conditions:
Cardiomyopathy, familial hypertrophic, 28. Identifiers: MedGen C5543616, MONDO:0030317, OMIM 619402.

Submission:

3billion
Classification: Uncertain significance for Cardiomyopathy, familial hypertrophic, 28. Last evaluated: 2024-02-01. Review status: criteria provided, single submitter. Criteria: ACMG Guidelines, 2015. Collection method: clinical testing. Allele origin: germline. Affected: yes.
Comment: The variant is not observed in the gnomAD v2.1.1 dataset. Predicted Consequence/Location: Missense changes are a common disease-causing mechanism. In silico tool predictions suggest no damaging effect of the variant on gene or gene product [REVEL: 0.06 (<0.4); 3Cnet: 0.02 (<0.15, specificity 0.78 and negative predicitive value 0.92)]. Therefore, this variant is classified as VUS according to the recommendation of ACMG/AMP guideline.